The following is an entry in ClinVar:

NC_000002.11:g.(?_26492801)_(26496638_?)del

Gene: HADHB (hydroxyacyl-CoA dehydrogenase trifunctional multienzyme complex subunit beta; plus strand). Cytogenetic location: 2p23.3.
Variant type: Deletion.
Identifiers: ClinVar variation 1400432 (VCV001400432.9).

ClinVar aggregate classification (germline): Pathogenic (1 of 4 stars; one submission).

Conditions:
Mitochondrial trifunctional protein deficiency. Identifiers: Orphanet 746, MedGen C1969443, MONDO:0012172.

Submission:

Labcorp Genetics (formerly Invitae), Labcorp
Classification: Pathogenic for Mitochondrial trifunctional protein deficiency. Last evaluated: 2023-12-11. Review status: criteria provided, single submitter. Criteria: Invitae Variant Classification Sherloc (09022015). Collection method: clinical testing. Allele origin: germline.
Comment: This variant is a gross deletion of the genomic region encompassing exon(s) 5-6 of the HADHB gene. This deletion is out-of-frame, and is expected to create a premature termination codon and result in an absent or disrupted protein product. Loss-of-function variants in HADHB are known to be pathogenic (PMID: 9259266, 12754706). This variant has not been reported in the literature in individuals affected with HADHB-related conditions. For these reasons, this variant has been classified as Pathogenic.

Literature cited by the submitters: PubMed 9259266; PubMed 12754706.